The following is an entry in ClinVar:

NM_000497.4(CYP11B1):c.1022G>T (p.Arg341Leu)

Genes: CYP11B1 (cytochrome P450 family 11 subfamily B member 1; minus strand), LOC106799833 (CYP11B1 recombination region; plus strand). Cytogenetic location: 8q24.3.
Variant type: single nucleotide variant.
Coding change: c.1022G>T on transcript NM_000497.4 (MANE Select); coding-DNA position 1022, G replaced by T.
Protein change: p.Arg341Leu; replaces arginine 341 with leucine.
Molecular consequence: missense variant.
Genome position (GRCh38, 1-based): chr8:142,875,811, C>A on the plus strand (G>T on the coding strand, the complement: CYP11B1 is on the minus strand). VCF-style: chr8-142875811-C-A. GRCh37 (hg19) VCF-style: chr8-143957227-C-A.
Other names: c.1022G>T, p.Arg341Leu (NM_001026213.1); short protein forms R341L.
Identifiers: ClinVar variation 3712820 (VCV003712820.2).

ClinVar aggregate classification (germline): Uncertain significance (1 of 4 stars; one submission).

Submission:

Labcorp Genetics (formerly Invitae), Labcorp
Classification: Uncertain significance. Last evaluated: 2024-03-22. Review status: criteria provided, single submitter. Criteria: Invitae Variant Classification Sherloc (09022015). Collection method: clinical testing. Allele origin: germline.
Comment: This sequence change replaces arginine, which is basic and polar, with leucine, which is neutral and non-polar, at codon 341 of the CYP11B1 protein (p.Arg341Leu). This variant is present in population databases (no rsID available, gnomAD 0.0009%). This variant has not been reported in the literature in individuals affected with CYP11B1-related conditions. Advanced modeling of protein sequence and biophysical properties (such as structural, functional, and spatial information, amino acid conservation, physicochemical variation, residue mobility, and thermodynamic stability) has been performed at Invitae for this missense variant, however the output from this modeling did not meet the statistical confidence thresholds required to predict the impact of this variant on CYP11B1 protein function. In summary, the available evidence is currently insufficient to determine the role of this variant in disease. Therefore, it has been classified as a Variant of Uncertain Significance.